The following is an entry in ClinVar:

ClinVar aggregate classification (germline): Uncertain significance (1 of 4 stars; one submission).

Conditions:
Developmental and epileptic encephalopathy, 2 (DEE2). Also called: INFANTILE SPASM SYNDROME, X-LINKED 2; CDKL5 deficiency disorder. Identifiers: Orphanet 1934, Orphanet 3451, Orphanet 505652, MedGen C4750718, MONDO:0010396, OMIM 300672.

Submission:

MGZ Medical Genetics Center
Classification: Uncertain significance for Developmental and epileptic encephalopathy, 2. Last evaluated: 2022-02-15. Review status: criteria provided, single submitter. Criteria: ACMG Guidelines, 2015. Collection method: clinical testing. Allele origin: germline. Affected: yes. Observed: 1 variant allele.
Comment: ACMG criteria applied: PM4, PM2_SUP

NM_001323289.2(CDKL5):c.2883A>T (p.Ter961Tyr)

Gene: CDKL5 (cyclin dependent kinase like 5; plus strand). Cytogenetic location: Xp22.13.
Variant type: single nucleotide variant.
Coding change: c.2883A>T on transcript NM_001323289.2 (MANE Select); coding-DNA position 2883, A replaced by T.
Protein change: p.Ter961Tyr.
Molecular consequence: stop lost. On other transcripts: intron variant (2).
Genome position (GRCh38, 1-based): chrX:18,628,757, A>T. VCF-style: chrX-18628757-A-T. GRCh37 (hg19) VCF-style: chrX-18646877-A-T.
Other names: c.2713+170A>T (NM_003159.3, NM_001037343.2).
Identifiers: ClinVar variation 1709153 (VCV001709153.2), dbSNP rs2518899476, ClinGen allele CA412369299.
Genomic context (GRCh38, chrX:18,628,757, plus strand): 5'-TAACAGAACAAATCGCTCACGAATGCCAAATCTGAATGATTTAAAAGAGACAGCCTTGTA[A>T]TTTGTGCTGGTAGGGGGGAGGGGTGGACAGACAAGCCAGTGGGGAGGGGTGGGAAAGGGT-3'